The following is an entry in ClinVar:

NM_033087.4(ALG2):c.1057dup (p.Ile353fs)

Gene: ALG2 (ALG2 alpha-1,3/1,6-mannosyltransferase; minus strand). Cytogenetic location: 9q22.33.
Variant type: Duplication.
Coding change: c.1057dup on transcript NM_033087.4 (MANE Select); coding-DNA position 1057, one base duplicated (A; older notation c.1057dupA).
Protein change: p.Ile353fs; shifts the reading frame from isoleucine 353.
Molecular consequence: frameshift variant. On other transcripts: non-coding transcript variant (1).
Genome position (GRCh38, 1-based): chr9:99,218,128, T duplicated on the plus strand (A on the coding strand, the reverse complement: ALG2 is on the minus strand). VCF-style (leftmost placement, unchanged base first): chr9-99218127-A-AT. GRCh37 (hg19) VCF-style: chr9-101980409-A-AT.
Other names: short protein forms I353fs.
Identifiers: ClinVar variation 4886445 (VCV004886445.2).

ClinVar aggregate classification (germline): Likely pathogenic (1 of 4 stars; one submission).

Submission:

Dasa
Classification: Likely pathogenic. Last evaluated: 2026-01-13. Review status: criteria provided, single submitter. Criteria: DASA Assertion Criteria. Collection method: clinical testing. Allele origin: germline.
Comment: NM_033087.4(ALG2):c.1057dup (p.Ile353Asnfs*2) is a frameshift variant in ALG2 predicted to alter the reading frame and introduce a premature termination codon and is predicted to result in an absent or altered protein product. Loss of function is an established disease mechanism for ALG2-associated disorders. This variant has been reported in individuals with ALG2-related disorders (PMID: 38966009). Also, this variant is rare in population databases. Based on the currently available evidence, this variant is classified as likely pathogenic.

Literature cited by the submitters: PubMed 38966009.